The following is an entry in ClinVar:

NM_005591.4(MRE11):c.1740A>C (p.Arg580Ser)

Gene: MRE11 (MRE11 double strand break repair nuclease; minus strand). Cytogenetic location: 11q21.
Variant type: single nucleotide variant.
Coding change: c.1740A>C on transcript NM_005591.4 (MANE Select); coding-DNA position 1740, A replaced by C.
Protein change: p.Arg580Ser; replaces arginine 580 with serine.
Molecular consequence: missense variant.
Genome position (GRCh38, 1-based): chr11:94,447,262, T>G on the plus strand (A>C on the coding strand, the complement: MRE11 is on the minus strand). VCF-style: chr11-94447262-T-G. GRCh37 (hg19) VCF-style: chr11-94180428-T-G.
Other names: c.1740A>C, p.Arg580Ser (NM_001330347.2, NM_005590.4); short protein forms R580S.
Identifiers: ClinVar variation 3224840 (VCV003224840.1), dbSNP rs1168184295, ClinGen allele CA382368178.

ClinVar aggregate classification (germline): Uncertain significance (1 of 4 stars; one submission).

Conditions:
Hereditary cancer-predisposing syndrome. Also called: Neoplastic Syndromes, Hereditary; Tumor predisposition; Hereditary neoplastic syndrome; Hereditary Cancer Syndrome. Identifiers: Orphanet 140162, MedGen C0027672, MeSH D009386, MONDO:0015356.

Submission:

Ambry Genetics
Classification: Uncertain significance for Hereditary cancer-predisposing syndrome. Last evaluated: 2024-02-03. Review status: criteria provided, single submitter. Criteria: Ambry Variant Classification Scheme 2023. Collection method: clinical testing. Allele origin: germline.
Comment: The p.R580S variant (also known as c.1740A>C), located in coding exon 14 of the MRE11A gene, results from an A to C substitution at nucleotide position 1740. The arginine at codon 580 is replaced by serine, an amino acid with dissimilar properties. This amino acid position is conserved. In addition, the in silico prediction for this alteration is inconclusive. Based on the available evidence, the clinical significance of this alteration remains unclear.